The following is an entry in ClinVar:

NM_005751.5(AKAP9):c.10967A>G (p.Asn3656Ser)

Gene: AKAP9 (A-kinase anchoring protein 9; plus strand). Cytogenetic location: 7q21.2.
Variant type: single nucleotide variant.
Coding change: c.10967A>G on transcript NM_005751.5 (MANE Select); coding-DNA position 10967, A replaced by G.
Protein change: p.Asn3656Ser; replaces asparagine 3656 with serine.
Molecular consequence: missense variant.
Genome position (GRCh38, 1-based): chr7:92,100,926, A>G. VCF-style: chr7-92100926-A-G. GRCh37 (hg19) VCF-style: chr7-91730240-A-G.
Other names: c.5612A>G, p.Asn1871Ser (NM_001379277.1); c.10943A>G, p.Asn3648Ser (NM_147185.3); short protein forms N3648S, N1871S, N3656S.
Identifiers: ClinVar variation 3728657 (VCV003728657.2).
Genomic context (GRCh38, chr7:92,100,926, plus strand): 5'-TTTCATTGAATGGTGGTGCCAACATTGAAGCCATCATTGCCTCTGAAAAAGAAGTATGGA[A>G]CAGAGAAAAATTGACTCTCCAGAAATCTTTGAAAAGGGCAGAGGCTGAAGTATACAAACT-3'
Protein context (NP_005742.4, residues 3646-3666): AIIASEKEVW[Asn3656Ser]REKLTLQKSL

ClinVar aggregate classification (germline): Uncertain significance (1 of 4 stars; one submission).

Conditions:
Long QT syndrome (LQTS). Identifiers: MedGen C0023976, MeSH D008133, MONDO:0002442. Disease mechanism: loss of function. Inheritance: Various modes of inheritance.

gnomAD v4.1: 1 of 1,614,184 alleles (0.000062%); highest among the groups gnomAD compares: Non-Finnish European, 0.000085%; no homozygotes.

Submission:

Labcorp Genetics (formerly Invitae), Labcorp
Classification: Uncertain significance for Long QT syndrome. Last evaluated: 2025-01-07. Review status: criteria provided, single submitter. Criteria: Invitae Variant Classification Sherloc (09022015). Collection method: clinical testing. Allele origin: germline.
Comment: This sequence change replaces asparagine, which is neutral and polar, with serine, which is neutral and polar, at codon 3656 of the AKAP9 protein (p.Asn3656Ser). This variant is not present in population databases (gnomAD no frequency). This variant has not been reported in the literature in individuals affected with AKAP9-related conditions. An algorithm developed to predict the effect of missense changes on protein structure and function outputs the following: PolyPhen-2: "Benign". The serine amino acid residue is found in multiple mammalian species, which suggests that this missense change does not adversely affect protein function. In summary, the available evidence is currently insufficient to determine the role of this variant in disease. Therefore, it has been classified as a Variant of Uncertain Significance.